The following is an entry in ClinVar:

NM_016180.5(SLC45A2):c.1099G>A (p.Val367Ile)

Gene: SLC45A2 (solute carrier family 45 member 2; minus strand). Cytogenetic location: 5p13.2.
Variant type: single nucleotide variant.
Coding change: c.1099G>A on transcript NM_016180.5 (MANE Select); coding-DNA position 1099, G replaced by A.
Protein change: p.Val367Ile; replaces valine 367 with isoleucine.
Molecular consequence: missense variant. On other transcripts: 3 prime UTR variant (1).
Genome position (GRCh38, 1-based): chr5:33,951,611, C>T on the plus strand (G>A on the coding strand, the complement: SLC45A2 is on the minus strand). VCF-style: chr5-33951611-C-T. GRCh37 (hg19) VCF-style: chr5-33951716-C-T.
Other names: c.1099G>A, p.Val367Ile (NM_001012509.4); c.*41G>A (NM_001297417.4); short protein forms V367I.
Identifiers: ClinVar variation 2066210 (VCV002066210.2), dbSNP rs200308684, ClinGen allele CA3225585.

ClinVar aggregate classification (germline): Uncertain significance. Review status: criteria provided, multiple submitters, no conflicts (2 of 4 stars). 2 submissions from 2 submitters: Uncertain significance (2). Last evaluated 2024-10-25.

Allele frequency attached by ClinVar (database versions not stated): gnomAD exomes 0.00002; TOPMed 0.00002; gnomAD 0.00009; ExAC 0.00013; 1000 Genomes Project 0.00020; 1000 Genomes Project 30x 0.00016.

Submissions (2):

Women's Health and Genetics/Laboratory Corporation of America, LabCorp
Classification: Uncertain significance. Last evaluated: 2024-10-25. Review status: criteria provided, single submitter. Criteria: LabCorp Variant Classification Summary - May 2015. Collection method: clinical testing. Allele origin: germline.
Comment: Variant summary: SLC45A2 c.1099G>A (p.Val367Ile) results in a conservative amino acid change in the encoded protein sequence. Four of five in-silico tools predict a damaging effect of the variant on protein function. The variant allele was found at a frequency of 8.7e-05 in 251452 control chromosomes. This frequency is not significantly higher than estimated for a pathogenic variant in SLC45A2 causing Oculocutaneous albinism type 4, allowing no conclusion about variant significance. c.1099G>A has been reported in the literature in individual(s) affected with Oculocutaneous albinism type 4 (Fabos_2017, Nagy_2024). These data do not allow any conclusion about variant significance. To our knowledge, no experimental evidence demonstrating an impact on protein function has been reported. The following publications have been ascertained in the context of this evaluation (PMID: 28629449, 38279271). ClinVar contains an entry for this variant (Variation ID: 2066210). Based on the evidence outlined above, the variant was classified as uncertain significance.

Labcorp Genetics (formerly Invitae), Labcorp
Classification: Uncertain significance. Last evaluated: 2022-06-19. Review status: criteria provided, single submitter. Criteria: Invitae Variant Classification Sherloc (09022015). Collection method: clinical testing. Allele origin: germline.
Comment: This sequence change replaces valine, which is neutral and non-polar, with isoleucine, which is neutral and non-polar, at codon 367 of the SLC45A2 protein (p.Val367Ile). This variant is present in population databases (rs200308684, gnomAD 0.04%). This missense change has been observed in individual(s) with oculocutaneous albinism (PMID: 28629449). Algorithms developed to predict the effect of missense changes on protein structure and function are either unavailable or do not agree on the potential impact of this missense change (SIFT: "Tolerated"; PolyPhen-2: "Probably Damaging"; Align-GVGD: "Class C0"). In summary, the available evidence is currently insufficient to determine the role of this variant in disease. Therefore, it has been classified as a Variant of Uncertain Significance.

Literature cited by the submitters: PubMed 28629449 (cited by Women's Health and Genetics/Laboratory Corporation of America, LabCorp and Labcorp Genetics (formerly Invitae), Labcorp); PubMed 38279271 (cited by Women's Health and Genetics/Laboratory Corporation of America, LabCorp).